The following is an entry in ClinVar:

NM_018896.5(CACNA1G):c.2416C>A (p.Pro806Thr)

Gene: CACNA1G (calcium voltage-gated channel subunit alpha1 G; plus strand). Cytogenetic location: 17q21.33.
Variant type: single nucleotide variant.
Coding change: c.2416C>A on transcript NM_018896.5 (MANE Select); coding-DNA position 2416, C replaced by A.
Protein change: p.Pro806Thr; replaces proline 806 with threonine.
Molecular consequence: missense variant. On other transcripts: non-coding transcript variant (5).
Genome position (GRCh38, 1-based): chr17:50,590,585, C>A. VCF-style: chr17-50590585-C-A. GRCh37 (hg19) VCF-style: chr17-48667946-C-A.
Other names: c.2416C>A, p.Pro806Thr (NM_001256324.2, NM_001256325.2, NM_001256326.2 and 24 more transcripts); short protein forms P806T.
Identifiers: ClinVar variation 4755645 (VCV004755645.2).

ClinVar aggregate classification (germline): Uncertain significance (1 of 4 stars; one submission).

Submission:

GeneDx
Classification: Uncertain significance. Last evaluated: 2026-10-26. Review status: criteria provided, single submitter. Criteria: GeneDx Variant Classification Process June 2021. Collection method: clinical testing. Allele origin: germline.
Comment: Not observed at significant frequency in large population cohorts (gnomAD); In silico analysis supports that this missense variant has a deleterious effect on protein structure/function; Has not been previously published as pathogenic or benign to our knowledge